The following is an entry in ClinVar:

ClinVar aggregate classification (germline): Uncertain significance (0 of 4 stars; one submission).

Conditions:
SEMA3A-related disorder. Also called: SEMA3A-related condition.

gnomAD v4.1: 4 of 1,613,672 alleles (0.00025%); highest among the groups gnomAD compares: Non-Finnish European, 0.00034%; no homozygotes.

Submission:

PreventionGenetics, part of Exact Sciences
Classification: Uncertain significance for SEMA3A-related condition. Last evaluated: 2024-08-14. Review status: no assertion criteria provided. Collection method: clinical testing. Allele origin: germline.
Comment: The SEMA3A c.1810G>C variant is predicted to result in the amino acid substitution p.Ala604Pro. To our knowledge, this variant has not been reported in the literature. This variant is reported in 0.00088% of alleles in individuals of European (Non-Finnish) descent in gnomAD. At this time, the clinical significance of this variant is uncertain due to the absence of conclusive functional and genetic evidence.

NM_006080.3(SEMA3A):c.1810G>C (p.Ala604Pro)

Gene: SEMA3A (semaphorin 3A; minus strand). Cytogenetic location: 7q21.11.
Variant type: single nucleotide variant.
Coding change: c.1810G>C on transcript NM_006080.3 (MANE Select); coding-DNA position 1810, G replaced by C.
Protein change: p.Ala604Pro; replaces alanine 604 with proline.
Molecular consequence: missense variant.
Genome position (GRCh38, 1-based): chr7:83,963,255, C>G on the plus strand (G>C on the coding strand, the complement: SEMA3A is on the minus strand). VCF-style: chr7-83963255-C-G. GRCh37 (hg19) VCF-style: chr7-83592571-C-G.
Other names: short protein forms A604P.
Identifiers: ClinVar variation 3347508 (VCV003347508.1).